The following is an entry in ClinVar:

ClinVar aggregate classification (germline): Pathogenic. Review status: criteria provided, single submitter (1 of 4 stars). 3 submissions from 2 submitters: Pathogenic (1). 2 of the submissions do not count toward it. Last evaluated 2024-07-15.

Conditions:
CDKL5 disorder. Identifiers: MedGen CN296942, MONDO:0100039.
Atypical Rett syndrome. Also called: Variant Rett Syndrome; Rett like syndrome. Identifiers: Orphanet 3095, MedGen C2748910, MONDO:0017746.

Submissions (3):

Centre for Population Genomics, CPG
Classification: Pathogenic for CDKL5 disorder. Last evaluated: 2024-07-15. Review status: criteria provided, single submitter. Criteria: McKnight et al. (Hum Mutat. 2022). Collection method: curation. Allele origin: germline. Inheritance: X-linked inheritance.
Comment: This variant has been collected from RettBASE and curated to current modified ACMG/AMP criteria. Based on the classification scheme defined by the ClinGen Rett/Angelman-like Expert Panel for Rett/AS-like Disorders Specifications to the ACMG/AMP Variant Interpretation Guidelines VCEP 3.0, this variant is classified as pathogenic. At least the following criteria are met: Predicted to result in loss of function, and LOF is a known mechanism of disease (PVS1). This variant is absent from gnomAD (PM2_Supporting). This variant has been identified as a de novo occurrence in an individual with CDKL5 disorder without confirmation of paternity and maternity (PM6, PMID: 18063413).

RettBASE
Classification: Pathogenic for Atypical Rett syndrome. Last evaluated: 2014-03-13. Review status: no assertion criteria provided. Collection method: curation. Allele origin: de novo. Affected: yes. Observed: 2 variant alleles. Not counted in ClinVar's aggregate classification.
Comment: Bahi-Buisson et al 2008 suggested transcript unstable

RettBASE
No classification provided. Review status: flagged submission. Collection method: not provided. Allele origin: not provided. Not counted in ClinVar's aggregate classification.
ClinVar note: Reason: This record appears to be redundant with a more recent record from the same submitter.
ClinVar note: Notes: SCV000189198 appears to be redundant with SCV000222305.

Literature cited by the submitters: PubMed 18063413 (cited by RettBASE); PubMed 18790821 (cited by RettBASE).

NM_001323289.2(CDKL5):c.145+2T>C

Gene: CDKL5 (cyclin dependent kinase like 5; plus strand). Cytogenetic location: Xp22.13.
Variant type: single nucleotide variant.
Coding change: c.145+2T>C on transcript NM_001323289.2 (MANE Select); the canonical splice donor site of the intron after coding-DNA position 145, T replaced by C.
Molecular consequence: splice donor variant.
Genome position (GRCh38, 1-based): chrX:18,564,524, T>C. VCF-style: chrX-18564524-T-C. GRCh37 (hg19) VCF-style: chrX-18582644-T-C.
Other names: c.145+2T>C (NM_003159.3, NM_001037343.2).
Identifiers: ClinVar variation 156074 (VCV000156074.4), dbSNP rs267608430, ClinGen allele CA199380.